The following is an entry in ClinVar:

NM_014989.7(RIMS1):c.5011C>A (p.Pro1671Thr)

Gene: RIMS1 (regulating synaptic membrane exocytosis 1; plus strand). Cytogenetic location: 6q13.
Variant type: single nucleotide variant.
Coding change: c.5011C>A on transcript NM_014989.7 (MANE Select); coding-DNA position 5011, C replaced by A.
Protein change: p.Pro1671Thr; replaces proline 1671 with threonine.
Molecular consequence: missense variant.
Genome position (GRCh38, 1-based): chr6:72,400,646, C>A. VCF-style: chr6-72400646-C-A. GRCh37 (hg19) VCF-style: chr6-73110348-C-A.
Other names: c.2971C>A, p.Pro991Thr (NM_001168407.2); c.2386C>A, p.Pro796Thr (NM_001168408.2, NM_001350430.2); c.2215C>A, p.Pro739Thr (NM_001168409.2); c.2413C>A, p.Pro805Thr (NM_001168410.2); c.592C>A, p.Pro198Thr (NM_001168411.2); c.2932C>A, p.Pro978Thr (NM_001350414.2); c.3028C>A, p.Pro1010Thr (NM_001350415.2); c.2977C>A, p.Pro993Thr (NM_001350416.2); and 54 more; short protein forms P1006T, P1010T, P1020T, P1023T, P1029T, P1052T, P1053T, P1055T.
Identifiers: ClinVar variation 1059026 (VCV001059026.9), dbSNP rs2154461386, ClinGen allele CA364822046.
Genomic context (GRCh38, chr6:72,400,646, plus strand): 5'-ATGGTGATCGGATGGTACAAATTGTTCCCACCGTCCTCACTGGTGGATCCCACACTCACT[C>A]CCCTCACCCGGCGGGCTTCCCAGTCATCTCTGGAAAGTTCAACTGGGCCTCCCTGTATTC-3'
Protein context (NP_055804.2, residues 1661-1681): PSSLVDPTLT[Pro1671Thr]LTRRASQSSL

ClinVar aggregate classification (germline): Uncertain significance (1 of 4 stars; one submission).

Submission:

Labcorp Genetics (formerly Invitae), Labcorp
Classification: Uncertain significance. Last evaluated: 2023-05-18. Review status: criteria provided, single submitter. Criteria: Invitae Variant Classification Sherloc (09022015). Collection method: clinical testing. Allele origin: germline.
Comment: This variant has not been reported in the literature in individuals affected with RIMS1-related conditions. ClinVar contains an entry for this variant (Variation ID: 1059026). An algorithm developed to predict the effect of missense changes on protein structure and function (PolyPhen-2) suggests that this variant is likely to be tolerated. In summary, the available evidence is currently insufficient to determine the role of this variant in disease. Therefore, it has been classified as a Variant of Uncertain Significance. This variant is not present in population databases (gnomAD no frequency). This sequence change replaces proline, which is neutral and non-polar, with threonine, which is neutral and polar, at codon 1671 of the RIMS1 protein (p.Pro1671Thr).